The following is an entry in ClinVar:

ClinVar aggregate classification (germline): Likely pathogenic. Review status: criteria provided, single submitter (1 of 4 stars). 2 submissions from 2 submitters: Likely pathogenic (1). 1 of the submissions does not count toward it. Last evaluated 2025-02-15.

Conditions:
Hypogonadotropic hypogonadism 2 with or without anosmia (HH2). Also called: HYPOGONADOTROPIC HYPOGONADISM 2 WITHOUT ANOSMIA; HYPOGONADOTROPIC HYPOGONADISM 2 WITH OR WITHOUT ANOSMIA, SUSCEPTIBILITY TO; HYPOGONADOTROPIC HYPOGONADISM 2 WITHOUT ANOSMIA, SUSCEPTIBILITY TO; FGFR1-Related GnRH Deficiency (Kallmann Syndrome 2). Identifiers: Orphanet 478, MedGen C1563720, MONDO:0007844, OMIM 147950. Disease mechanism: loss of function.
Pfeiffer syndrome (ACS5). Also called: ACS V. Identifiers: Orphanet 710, MedGen C0220658, MONDO:0007043, OMIM 101600.

Submissions (2):

Labcorp Genetics (formerly Invitae), Labcorp
Classification: Likely pathogenic for Pfeiffer syndrome; Hypogonadotropic hypogonadism 2 with or without anosmia. Last evaluated: 2025-02-15. Review status: criteria provided, single submitter. Criteria: Invitae Variant Classification Sherloc (09022015). Collection method: clinical testing. Allele origin: germline.
Comment: This sequence change replaces glycine, which is neutral and non-polar, with arginine, which is basic and polar, at codon 97 of the FGFR1 protein (p.Gly97Arg). This variant is not present in population databases (gnomAD no frequency). This missense change has been observed in individual(s) with idiopathic hypogonadotropic hypogonadism and/or Kallmann syndrome (PMID: 30098700). ClinVar contains an entry for this variant (Variation ID: 974816). Invitae Evidence Modeling of protein sequence and biophysical properties (such as structural, functional, and spatial information, amino acid conservation, physicochemical variation, residue mobility, and thermodynamic stability) has been performed for this missense variant. However, the output from this modeling did not meet the statistical confidence thresholds required to predict the impact of this variant on FGFR1 protein function. Experimental studies are conflicting or provide insufficient evidence to determine the effect of this variant on FGFR1 function (PMID: 32666525). This variant disrupts the p.Gly97 amino acid residue in FGFR1. Other variant(s) that disrupt this residue have been determined to be pathogenic (PMID: 18985070, 23154428, 31200363). This suggests that this residue is clinically significant, and that variants that disrupt this residue are likely to be disease-causing. In summary, the currently available evidence indicates that the variant is pathogenic, but additional data are needed to prove that conclusively. Therefore, this variant has been classified as Likely Pathogenic.

Department of Urology, Tongji Hospital, Tongji Medical College, Huazhong University of Science and Technology
Classification: Likely pathogenic for Hypogonadotropic hypogonadism 2 with or without anosmia. Review status: no assertion criteria provided. Collection method: research. Allele origin: germline. Affected: yes. Not counted in ClinVar's aggregate classification.

Literature cited by the submitters: PubMed 30098700 (cited by Labcorp Genetics (formerly Invitae), Labcorp); PubMed 32666525 (cited by Labcorp Genetics (formerly Invitae), Labcorp); PubMed 18985070 (cited by Labcorp Genetics (formerly Invitae), Labcorp); PubMed 23154428 (cited by Labcorp Genetics (formerly Invitae), Labcorp); PubMed 31200363 (cited by Labcorp Genetics (formerly Invitae), Labcorp).

NM_023110.3(FGFR1):c.289G>C (p.Gly97Arg)

Gene: FGFR1 (fibroblast growth factor receptor 1; minus strand). Cytogenetic location: 8p11.23.
Variant type: single nucleotide variant.
Coding change: c.289G>C on transcript NM_023110.3 (MANE Select); coding-DNA position 289, G replaced by C.
Protein change: p.Gly97Arg; replaces glycine 97 with arginine.
Molecular consequence: missense variant. On other transcripts: intron variant (5).
Genome position (GRCh38, 1-based): chr8:38,429,751, C>G on the plus strand (G>C on the coding strand, the complement: FGFR1 is on the minus strand). VCF-style: chr8-38429751-C-G. GRCh37 (hg19) VCF-style: chr8-38287269-C-G.
Other names: c.289G>C, p.Gly97Arg (NM_001174063.2, NM_001174065.2, NM_001354367.2 and 2 more transcripts); c.265G>C, p.Gly89Arg (NM_001174064.2); c.388G>C, p.Gly130Arg (NM_001174067.2); c.92-1316G>C (NM_001354368.2, NM_001354370.2, NM_023106.3 and 2 more transcripts); short protein forms G130R, G89R, G97R.
Identifiers: ClinVar variation 974816 (VCV000974816.4), dbSNP rs1260404537, ClinGen allele CA370736271.